The following is an entry in ClinVar:

ClinVar aggregate classification (germline): Uncertain significance (1 of 4 stars; one submission).

Conditions:
Cardiomyopathy (CMYO). Also called: Cardiomyopathies. Identifiers: Orphanet 167848, MedGen C0878544, MONDO:0004994, HP:0001638. Inheritance: Various modes of inheritance.

Submission:

Color Diagnostics, LLC DBA Color Health
Classification: Uncertain significance for Cardiomyopathy. Last evaluated: 2023-12-04. Review status: criteria provided, single submitter. Criteria: ACMG Guidelines, 2015. Collection method: clinical testing. Allele origin: germline.
Comment: Variant of Uncertain Significance due to insufficient evidence: This missense variant is located in the extracellular cadherin domain 2 of the DSG2 protein. Computational prediction tools and conservation analyses are inconclusive regarding the impact of this variant on the protein function. Computational splicing tools suggest that this variant may not impact RNA splicing. To our knowledge, functional assays have not been performed for this variant nor has this variant been reported in individuals affected with cardiovascular disorders in the literature. This variant is rare in the general population and has been identified in 0/277264 chromosomes by the Genome Aggregation Database (gnomAD). Available evidence is insufficient to determine the pathogenicity of this variant conclusively.

NM_001943.5(DSG2):c.496G>C (p.Gly166Arg)

Gene: DSG2 (desmoglein 2; plus strand). Cytogenetic location: 18q12.1.
Variant type: single nucleotide variant.
Coding change: c.496G>C on transcript NM_001943.5 (MANE Select); coding-DNA position 496, G replaced by C.
Protein change: p.Gly166Arg; replaces glycine 166 with arginine.
Molecular consequence: missense variant.
Genome position (GRCh38, 1-based): chr18:31,521,216, G>C. VCF-style: chr18-31521216-G-C. GRCh37 (hg19) VCF-style: chr18-29101179-G-C.
Other names: short protein forms G166R.
Identifiers: ClinVar variation 921895 (VCV000921895.5), dbSNP rs2073126339, ClinGen allele CA402132399.